The following is an entry in ClinVar:

ClinVar aggregate classification (germline): Uncertain significance (1 of 4 stars; one submission).

Conditions:
Hereditary spastic paraplegia 7 (SPG7). Also called: Autosomal recessive spastic paraplegia type 7; SPG7-related neurologic disorder; SPASTIC PARAPLEGIA 7, AUTOSOMAL RECESSIVE, WITH OR WITHOUT CEREBELLAR ATAXIA; Spastic paraplegia 7; Hereditary spastic paraplegia Paraplegin type. Identifiers: Orphanet 99013, MedGen C1846564, MONDO:0011803, OMIM 607259.

Allele frequency attached by ClinVar (database versions not stated): gnomAD exomes below 0.00001 and 0.00003; gnomAD 0.00001; TOPMed 0.00001; ESP Exome Variant Server 0.00008.

Submission:

Labcorp Genetics (formerly Invitae), Labcorp
Classification: Uncertain significance for Hereditary spastic paraplegia 7. Last evaluated: 2024-05-22. Review status: criteria provided, single submitter. Criteria: Invitae Variant Classification Sherloc (09022015). Collection method: clinical testing. Allele origin: germline.
Comment: This sequence change replaces alanine, which is neutral and non-polar, with threonine, which is neutral and polar, at codon 228 of the SPG7 protein (p.Ala228Thr). This variant is present in population databases (rs375721189, gnomAD 0.0009%). This variant has not been reported in the literature in individuals affected with SPG7-related conditions. ClinVar contains an entry for this variant (Variation ID: 1417161). Advanced modeling of protein sequence and biophysical properties (such as structural, functional, and spatial information, amino acid conservation, physicochemical variation, residue mobility, and thermodynamic stability) performed at Invitae indicates that this missense variant is not expected to disrupt SPG7 protein function with a negative predictive value of 80%. In summary, the available evidence is currently insufficient to determine the role of this variant in disease. Therefore, it has been classified as a Variant of Uncertain Significance.

NM_003119.4(SPG7):c.682G>A (p.Ala228Thr)

Gene: SPG7 (SPG7 matrix AAA peptidase subunit, paraplegin; plus strand). Cytogenetic location: 16q24.3.
Variant type: single nucleotide variant.
Coding change: c.682G>A on transcript NM_003119.4 (MANE Select); coding-DNA position 682, G replaced by A.
Protein change: p.Ala228Thr; replaces alanine 228 with threonine.
Molecular consequence: missense variant.
Genome position (GRCh38, 1-based): chr16:89,526,392, G>A. VCF-style: chr16-89526392-G-A. GRCh37 (hg19) VCF-style: chr16-89592800-G-A.
Other names: c.682G>A, p.Ala228Thr (NM_001363850.1, NM_199367.3); short protein forms A228T.
Identifiers: ClinVar variation 1417161 (VCV001417161.8), dbSNP rs375721189, ClinGen allele CA286538872.
Genomic context (GRCh38, chr16:89,526,392, plus strand): 5'-CTAGCCTTGATGTACCGAATGCAGGTTGCAAATATTGACAAGTTTGAAGAGAAGCTTCGA[G>A]CAGCTGAAGATGAGCTGAATATCGAGGCCAAGGACAGGATCCCAGTTTCCTACAAGCGAA-3'
Protein context (NP_003110.1, residues 218-238): NIDKFEEKLR[Ala228Thr]AEDELNIEAK